The following is an entry in ClinVar:

ClinVar aggregate classification (germline): Uncertain significance (1 of 4 stars; one submission).

Conditions:
Fetal akinesia deformation sequence 1 (FADS1). Also called: Pena-Shokeir syndrome type I; Fetal akinesia sequence. Identifiers: Orphanet 994, MedGen C1276035, MONDO:0100101, OMIM 208150, HP:0001989.
Congenital myasthenic syndrome 11. Also called: MYASTHENIC SYNDROME, CONGENITAL, Ie; Myasthenic syndrome, congenital, 11, associated with acetylcholine receptor deficiency. Identifiers: Orphanet 590, MedGen C4225367, MONDO:0014588, OMIM 616326.

Submission:

Labcorp Genetics (formerly Invitae), Labcorp
Classification: Uncertain significance for Congenital myasthenic syndrome 11; Fetal akinesia deformation sequence 1. Last evaluated: 2022-04-15. Review status: criteria provided, single submitter. Criteria: Invitae Variant Classification Sherloc (09022015). Collection method: clinical testing. Allele origin: germline.
Comment: In summary, the available evidence is currently insufficient to determine the role of this variant in disease. Therefore, it has been classified as a Variant of Uncertain Significance. Algorithms developed to predict the effect of missense changes on protein structure and function are either unavailable or do not agree on the potential impact of this missense change (SIFT: "Deleterious"; PolyPhen-2: "Probably Damaging"; Align-GVGD: "Class C0"). This variant has not been reported in the literature in individuals affected with RAPSN-related conditions. This variant is not present in population databases (gnomAD no frequency). This sequence change replaces arginine, which is basic and polar, with glycine, which is neutral and non-polar, at codon 242 of the RAPSN protein (p.Arg242Gly).

NM_005055.5(RAPSN):c.724C>G (p.Arg242Gly)

Gene: RAPSN (receptor associated protein of the synapse; minus strand). Cytogenetic location: 11p11.2.
Variant type: single nucleotide variant.
Coding change: c.724C>G on transcript NM_005055.5 (MANE Select); coding-DNA position 724, C replaced by G.
Protein change: p.Arg242Gly; replaces arginine 242 with glycine.
Molecular consequence: missense variant.
Genome position (GRCh38, 1-based): chr11:47,441,888, G>C on the plus strand (C>G on the coding strand, the complement: RAPSN is on the minus strand). VCF-style: chr11-47441888-G-C. GRCh37 (hg19) VCF-style: chr11-47463440-G-C.
Other names: c.724C>G, p.Arg242Gly (NM_032645.5); short protein forms R242G.
Identifiers: ClinVar variation 2099888 (VCV002099888.4), dbSNP rs1005550058, ClinGen allele CA380330346.